The following is an entry in ClinVar:

ClinVar aggregate classification (germline): Uncertain significance (1 of 4 stars; one submission).

Conditions:
Cardiovascular phenotype. Identifiers: MedGen CN230736.

Submission:

Ambry Genetics
Classification: Uncertain significance for Cardiovascular phenotype. Last evaluated: 2025-11-15. Review status: criteria provided, single submitter. Criteria: Ambry Variant Classification Scheme 2023. Collection method: clinical testing. Allele origin: germline.
Comment: The p.E2619D variant (also known as c.7857A>T), located in coding exon 38 of the ANK2 gene, results from an A to T substitution at nucleotide position 7857. The glutamic acid at codon 2619 is replaced by aspartic acid, an amino acid with highly similar properties. This amino acid position is conserved. In addition, this alteration is predicted to be tolerated by in silico analysis. Based on the available evidence, the clinical significance of this variant remains unclear.

NM_001148.6(ANK2):c.7857A>T (p.Glu2619Asp)

Genes: ANK2 (ankyrin 2; plus strand), LOC126807137 (CDK7 strongly-dependent group 2 enhancer GRCh37_chr4:114276560-114277759; plus strand). Cytogenetic location: 4q26.
Variant type: single nucleotide variant.
Coding change: c.7857A>T on transcript NM_001148.6 (MANE Select); coding-DNA position 7857, A replaced by T.
Protein change: p.Glu2619Asp; replaces glutamic acid 2619 with aspartic acid.
Molecular consequence: missense variant. On other transcripts: intron variant (68).
Genome position (GRCh38, 1-based): chr4:113,356,475, A>T. VCF-style: chr4-113356475-A-T. GRCh37 (hg19) VCF-style: chr4-114277631-A-T.
Other names: c.7623A>T, p.Glu2541Asp (NM_001386142.1); c.4257A>T, p.Glu1419Asp (NM_001386166.1); c.7998A>T, p.Glu2666Asp (NM_001386174.1); c.7974A>T, p.Glu2658Asp (NM_001386175.1); c.4412-4348A>T (NM_001386186.2, NM_001386148.2); c.4214-4348A>T (NM_001354269.3); c.4292-4348A>T (NM_001386187.2); c.4253-4348A>T (NM_001386147.1); and 35 more; short protein forms E2619D, E1419D, E2658D, E2541D, E2666D.
Identifiers: ClinVar variation 4051710 (VCV004051710.2).